The following is an entry in ClinVar:

NM_003383.5(VLDLR):c.-42GGC[6]

Genes: VLDLR (very low density lipoprotein receptor; plus strand), VLDLR-AS1 (VLDLR antisense RNA 1; minus strand). Cytogenetic location: 9p24.2.
Variant type: Microsatellite.
Coding change: c.-42GGC[6] on transcript NM_003383.5 (MANE Select); six copies in a row of the 3-base unit GGC starting at c.-42; the reference has eight copies in a row; two copies, 6 bases deleted.
Molecular consequence: 5 prime UTR variant. On other transcripts: non-coding transcript variant (1).
Genome position (GRCh38, 1-based): chr9:2,622,166-2,622,171, GGCGGC deleted; deleting any 6 consecutive bases within chr9:2,622,147-2,622,171 gives the same sequence; the position shown is the placement nearest the transcript's 3' end. VCF-style (leftmost placement, unchanged base first): chr9-2622146-ACGGCGG-A. GRCh37 (hg19) VCF-style: chr9-2622146-ACGGCGG-A.
Other names: c.-42GGC[6] (NM_001018056.3, NM_001322225.2, NM_001322226.2).
Identifiers: ClinVar variation 420696 (VCV000420696.1), dbSNP rs71329437, ClinGen allele CA4964376.

ClinVar aggregate classification (germline): Likely benign (1 of 4 stars; one submission).

Submission:

GeneDx
Classification: Likely benign. Last evaluated: 2017-10-13. Review status: criteria provided, single submitter. Criteria: GeneDx Variant Classification (06012015). Collection method: clinical testing. Allele origin: germline. Affected: yes.
Comment: This variant is considered likely benign or benign based on one or more of the following criteria: it is a conservative change, it occurs at a poorly conserved position in the protein, it is predicted to be benign by multiple in silico algorithms, and/or has population frequency not consistent with disease.